The following is an entry in ClinVar:

NM_000051.4(ATM):c.3771dup (p.His1258fs)

Gene: ATM (ATM serine/threonine kinase; plus strand). Cytogenetic location: 11q22.3.
Variant type: Duplication.
Coding change: c.3771dup on transcript NM_000051.4 (MANE Select); coding-DNA position 3771, one base duplicated (A; older notation c.3771dupA).
Protein change: p.His1258fs; shifts the reading frame from histidine 1258.
Molecular consequence: frameshift variant.
Genome position (GRCh38, 1-based): chr11:108,284,251, A duplicated. VCF-style (leftmost placement, unchanged base first): chr11-108284250-C-CA. GRCh37 (hg19) VCF-style: chr11-108154977-C-CA.
Other names: c.3771dup, p.His1258fs (NM_001351834.2); short protein forms H1258fs.
Identifiers: ClinVar variation 2021357 (VCV002021357.5), dbSNP rs2546886038, ClinGen allele CA2580083272.

ClinVar aggregate classification (germline): Pathogenic. Review status: criteria provided, multiple submitters, no conflicts (2 of 4 stars). 2 submissions from 2 submitters: Pathogenic (2). Last evaluated 2024-01-23.

Conditions:
Ataxia-telangiectasia syndrome (AT). Also called: Ataxia-telangiectasia; AT, COMPLEMENTATION GROUP C; ATAXIA-TELANGIECTASIA, FRESNO VARIANT; Ataxia-telangiectasia, complementation group D; Ataxia-telangiectasia, complementation group E; LOUIS-BAR SYNDROME. Identifiers: Orphanet 100, MedGen C0004135, MONDO:0008840, OMIM 208900.
Familial cancer of breast. Also called: BREAST CANCER, FAMILIAL; hereditary breast carcinoma; Hereditary breast cancer. Identifiers: Orphanet 227535, MedGen C0346153, MONDO:0016419, OMIM 114480. Disease mechanism: loss of function.

Submissions (2):

Myriad Genetics, Inc.
Classification: Pathogenic for Familial cancer of breast. Last evaluated: 2024-01-23. Review status: criteria provided, single submitter. Criteria: Myriad Autosomal Dominant, Autosomal Recessive and X-Linked Classification Criteria (2023). Collection method: clinical testing. Allele origin: unknown.
Comment: This variant is considered pathogenic. This variant creates a frameshift predicted to result in premature protein truncation.

Labcorp Genetics (formerly Invitae), Labcorp
Classification: Pathogenic for Ataxia-telangiectasia syndrome. Last evaluated: 2023-08-02. Review status: criteria provided, single submitter. Criteria: Invitae Variant Classification Sherloc (09022015). Collection method: clinical testing. Allele origin: germline.
Comment: This variant is not present in population databases (gnomAD no frequency). This sequence change creates a premature translational stop signal (p.His1258Thrfs*5) in the ATM gene. It is expected to result in an absent or disrupted protein product. Loss-of-function variants in ATM are known to be pathogenic (PMID: 23807571, 25614872). This variant has not been reported in the literature in individuals affected with ATM-related conditions. ClinVar contains an entry for this variant (Variation ID: 2021357). For these reasons, this variant has been classified as Pathogenic.

Literature cited by the submitters: PubMed 23807571 (cited by Labcorp Genetics (formerly Invitae), Labcorp); PubMed 25614872 (cited by Labcorp Genetics (formerly Invitae), Labcorp).